The following is an entry in ClinVar:

ClinVar aggregate classification (germline): Likely benign. Review status: criteria provided, multiple submitters, no conflicts (2 of 4 stars). 3 submissions from 3 submitters: Likely benign (2). 1 of the submissions does not count toward it. Last evaluated 2026-01-06.

Conditions:
IFT88-related disorder. Also called: IFT88-related condition.

Allele frequency attached by ClinVar (database versions not stated): gnomAD exomes 0.00014 and 0.00044; 1000 Genomes Project 30x 0.00016; 1000 Genomes Project 0.00020; gnomAD 0.00021 and 0.00024; TOPMed 0.00042; ExAC 0.00050.
gnomAD v4.1: 242 of 1,576,908 alleles (0.015%); highest among the groups gnomAD compares: Admixed American, 0.22%; 1 homozygote.

Submissions (3):

Labcorp Genetics (formerly Invitae), Labcorp
Classification: Likely benign. Last evaluated: 2026-01-06. Review status: criteria provided, single submitter. Criteria: Invitae Variant Classification Sherloc (09022015). Collection method: clinical testing. Allele origin: germline.

Breakthrough Genomics
Classification: Likely benign. Review status: criteria provided, single submitter. Criteria: ACMG Guidelines, 2015. Collection method: not provided. Allele origin: germline. Inheritance: Unknown mechanism. Affected: yes.

PreventionGenetics, part of Exact Sciences
Classification: Likely benign for IFT88-related condition. Last evaluated: 2022-08-02. Review status: no assertion criteria provided. Collection method: clinical testing. Allele origin: germline. Not counted in ClinVar's aggregate classification.
Comment: This variant is classified as likely benign based on ACMG/AMP sequence variant interpretation guidelines (Richards et al. 2015 PMID: 25741868, with internal and published modifications).

NM_006531.5(IFT88):c.86T>C (p.Ile29Thr)

Gene: IFT88 (intraflagellar transport 88; plus strand). Cytogenetic location: 13q12.11.
Variant type: single nucleotide variant.
Coding change: c.86T>C on transcript NM_006531.5 (MANE Select); coding-DNA position 86, T replaced by C.
Protein change: p.Ile29Thr; replaces isoleucine 29 with threonine.
Molecular consequence: missense variant. On other transcripts: 5 prime UTR variant (1), non-coding transcript variant (5).
Genome position (GRCh38, 1-based): chr13:20,574,471, T>C. VCF-style: chr13-20574471-T-C. GRCh37 (hg19) VCF-style: chr13-21148610-T-C.
Other names: c.86T>C, p.Ile29Thr (NM_001318491.2, NM_001353568.2, NM_001353571.2 and 5 more transcripts); c.113T>C, p.Ile38Thr (NM_001318493.2, NM_001353565.2, NM_001353566.2 and 6 more transcripts); c.-478T>C (NM_001353579.2); c.113T>C (NM_175605.4); short protein forms I29T, I38T.
Identifiers: ClinVar variation 1591717 (VCV001591717.11), dbSNP rs201009750, ClinGen allele CA6904928.